The following is an entry in ClinVar:

ClinVar aggregate classification (germline): Uncertain significance (1 of 4 stars; one submission).

Conditions:
Holocarboxylase synthetase deficiency. Also called: MULTIPLE CARBOXYLASE DEFICIENCY, EARLY ONSET. Identifiers: Orphanet 79242, MedGen C0268581, MONDO:0009666, OMIM 253270.

Submission:

Myriad Genetics, Inc.
Classification: Uncertain significance for Holocarboxylase synthetase deficiency. Last evaluated: 2026-05-18. Review status: criteria provided, single submitter. Criteria: Myriad Autosomal Dominant, Autosomal Recessive and X-Linked Classification Criteria (2023). Collection method: clinical testing. Allele origin: unknown.
Comment: NM_000411.6(HLCS):c.2026dupC(L676Pfs*73) is a readthrough frameshift variant classified as a variant of uncertain significance in the context of holocarboxylase synthetase deficiency. L676Pfs*73 has not been observed in cases with relevant disease. Relevant functional assessments of this variant are not available in the literature. L676Pfs*73 has not been observed in referenced population frequency databases. In summary, there is insufficient evidence to classify NM_000411.6(HLCS):c.2026dupC(L676Pfs*73) as pathogenic or benign. Please note: this variant was assessed in the context of healthy population screening.

NM_001352514.2(HLCS):c.2467dup (p.Leu823fs)

Gene: HLCS (holocarboxylase synthetase; minus strand). Cytogenetic location: 21q22.13.
Variant type: Duplication.
Coding change: c.2467dup on transcript NM_001352514.2 (MANE Select); coding-DNA position 2467, one base duplicated (C; older notation c.2467dupC).
Protein change: p.Leu823fs; shifts the reading frame from leucine 823.
Molecular consequence: frameshift variant. On other transcripts: non-coding transcript variant (2).
Genome position (GRCh38, 1-based): chr21:36,754,401, G duplicated on the plus strand (C on the coding strand, the reverse complement: HLCS is on the minus strand). VCF-style (leftmost placement, unchanged base first): chr21-36754400-A-AG. GRCh37 (hg19) VCF-style: chr21-38126701-A-AG.
Other names: c.2026dup, p.Leu676fs (NM_000411.8, NM_001242784.3, NM_001242785.2 and 4 more transcripts); short protein forms L676fs, L823fs.
Identifiers: ClinVar variation 5004033 (VCV005004033.1).